The following is an entry in ClinVar:

ClinVar aggregate classification (germline): Uncertain significance (1 of 4 stars; one submission).

Allele frequency attached by ClinVar (database versions not stated): gnomAD exomes 0.00002; TOPMed 0.00002; gnomAD 0.00003; ExAC 0.00005.
gnomAD v4.1: 27 of 1,598,216 alleles (0.0017%); highest among the groups gnomAD compares: Admixed American, 0.014%; no homozygotes.

Submission:

Labcorp Genetics (formerly Invitae), Labcorp
Classification: Uncertain significance. Last evaluated: 2023-08-14. Review status: criteria provided, single submitter. Criteria: Invitae Variant Classification Sherloc (09022015). Collection method: clinical testing. Allele origin: germline.
Comment: This sequence change replaces isoleucine, which is neutral and non-polar, with threonine, which is neutral and polar, at codon 951 of the JAK2 protein (p.Ile951Thr). This variant is present in population databases (rs577992117, gnomAD 0.02%). This variant has not been reported in the literature in individuals affected with JAK2-related conditions. ClinVar contains an entry for this variant (Variation ID: 2416071). Advanced modeling of protein sequence and biophysical properties (such as structural, functional, and spatial information, amino acid conservation, physicochemical variation, residue mobility, and thermodynamic stability) performed at Invitae indicates that this missense variant is not expected to disrupt JAK2 protein function. In summary, the available evidence is currently insufficient to determine the role of this variant in disease. Therefore, it has been classified as a Variant of Uncertain Significance.

NM_004972.4(JAK2):c.2852T>C (p.Ile951Thr)

Genes: INSL6 (insulin like 6; minus strand), JAK2 (Janus kinase 2; plus strand). Cytogenetic location: 9p24.1.
Variant type: single nucleotide variant.
Coding change: c.2852T>C on transcript NM_004972.4 (MANE Select); coding-DNA position 2852, T replaced by C.
Protein change: p.Ile951Thr; replaces isoleucine 951 with threonine.
Molecular consequence: missense variant. On other transcripts: non-coding transcript variant (2).
Genome position (GRCh38, 1-based): chr9:5,090,536, T>C. VCF-style: chr9-5090536-T-C. GRCh37 (hg19) VCF-style: chr9-5090536-T-C.
Other names: c.2852T>C, p.Ile951Thr (NM_001322194.2, NM_001322195.2, NM_001322196.2); c.1637T>C, p.Ile546Thr (NM_001322198.2, NM_001322199.2); c.2405T>C, p.Ile802Thr (NM_001322204.2); short protein forms I546T, I802T, I951T.
Identifiers: ClinVar variation 2416071 (VCV002416071.6), dbSNP rs577992117, ClinGen allele CA4972274.